The following is an entry in ClinVar:

ClinVar aggregate classification (germline): Pathogenic/Likely pathogenic. Review status: criteria provided, multiple submitters, no conflicts (2 of 4 stars). 4 submissions from 4 submitters: Pathogenic (1); Likely pathogenic (3). Last evaluated 2026-04-15.
ClinVar aggregate classification (oncogenicity): Likely oncogenic (1 of 4 stars; one submission).

Conditions:
Familial cancer of breast. Also called: hereditary breast carcinoma; BREAST CANCER, FAMILIAL; Hereditary breast cancer. Identifiers: Orphanet 227535, MedGen C0346153, MONDO:0016419, OMIM 114480. Disease mechanism: loss of function.
Ataxia-telangiectasia syndrome (AT). Also called: AT, COMPLEMENTATION GROUP C; ATAXIA-TELANGIECTASIA, COMPLEMENTATION GROUP A; ATAXIA-TELANGIECTASIA, FRESNO VARIANT; Ataxia-telangiectasia; Ataxia telangiectasia (A-T); Ataxia-telangiectasia, complementation group E. Identifiers: Orphanet 100, MedGen C0004135, MONDO:0008840, OMIM 208900.
Hereditary cancer-predisposing syndrome. Also called: Tumor predisposition; Hereditary Cancer Syndrome; Hereditary neoplastic syndrome; Neoplastic Syndromes, Hereditary. Identifiers: Orphanet 140162, MedGen C0027672, MeSH D009386, MONDO:0015356.
Neoplasm. Also called: tumor; Neoplasms; Neoplasm (disease). Identifiers: MedGen C0027651, MeSH D009369, MONDO:0005070, HP:0002664.

Submissions (5):

Center for Genomic Medicine, Rigshospitalet, Copenhagen University Hospital
Classification: Likely oncogenic for Neoplasm. Last evaluated: 2026-10-16. Review status: criteria provided, single submitter. Criteria: ClinGen/CGC/VICC Guidelines for Oncogenicity, 2022. Collection method: clinical testing. Allele origin: somatic. Affected: yes.

Ambry Genetics
Classification: Likely pathogenic for Hereditary cancer-predisposing syndrome. Last evaluated: 2026-04-15. Review status: criteria provided, single submitter. Criteria: Ambry Variant Classification Scheme 2023. Collection method: clinical testing. Allele origin: germline.
Comment: The c.2124+1G>A intronic variant results from a G to A substitution one nucleotide after coding exon 12 of the ATM gene. This nucleotide position is highly conserved in available vertebrate species. In silico splice site analysis predicts that this alteration will weaken the native splice donor site. RNA studies have demonstrated that this variant results in abnormal splicing in the set of samples tested (Ambry internal data). Alterations that disrupt the canonical splice site are expected to cause aberrant splicing, resulting in an abnormal protein or a transcript that is subject to nonsense-mediated mRNA decay. As such, this alteration is classified as likely pathogenic.

Labcorp Genetics (formerly Invitae), Labcorp
Classification: Pathogenic for Ataxia-telangiectasia syndrome. Last evaluated: 2025-10-01. Review status: criteria provided, single submitter. Criteria: Invitae Variant Classification Sherloc (09022015). Collection method: clinical testing. Allele origin: germline.
Comment: This sequence change affects a donor splice site in intron 13 of the ATM gene. RNA analysis indicates that disruption of this splice site induces altered splicing and may result in an absent or altered protein product. This variant is not present in population databases (gnomAD no frequency). Disruption of this splice site has been observed in individual(s) with breast cancer (PMID: 32427313). ClinVar contains an entry for this variant (Variation ID: 840421). Studies have shown that disruption of this splice site results in skipping of exon 13, and produces a non-functional protein and/or introduces a premature termination codon (internal data). For these reasons, this variant has been classified as Pathogenic.

GeneKor MSA
Classification: Likely pathogenic for Hereditary cancer-predisposing syndrome. Last evaluated: 2025-06-25. Review status: criteria provided, single submitter. Criteria: ACMG Guidelines, 2015. Collection method: clinical testing. Allele origin: germline. Affected: yes.
Comment: This mutation occurs one base after exon 13 of the ATM gene. This position is highly conserved in the human and other genomes and might be involved in mRNA processing. Therefore, this mutation is expected to disrupt RNA splicing and likely results in an absent or disrupted protein product. Truncating variants in ATM are known to be pathogenic. The mutation database ClinVar contains entries for this variant (VCV000452784.14). For these reasons this variant has been classified as likely pathogenic.

Myriad Genetics, Inc.
Classification: Likely pathogenic for Familial cancer of breast. Last evaluated: 2024-01-17. Review status: criteria provided, single submitter. Criteria: Myriad Autosomal Dominant, Autosomal Recessive and X-Linked Classification Criteria (2023). Collection method: clinical testing. Allele origin: unknown.
Comment: This variant is considered likely pathogenic. This variant occurs within a consensus splice junction and is predicted to result in abnormal mRNA splicing of either an out-of-frame exon or an in-frame exon necessary for protein stability and/or normal function.

Literature cited by the submitters: PubMed 32427313 (cited by Labcorp Genetics (formerly Invitae), Labcorp).

NM_000051.4(ATM):c.2124+1G>A

Gene: ATM (ATM serine/threonine kinase; plus strand). Cytogenetic location: 11q22.3.
Variant type: single nucleotide variant.
Coding change: c.2124+1G>A on transcript NM_000051.4 (MANE Select); the canonical splice donor site of the intron after coding-DNA position 2124, G replaced by A.
Molecular consequence: splice donor variant.
Genome position (GRCh38, 1-based): chr11:108,254,040, G>A. VCF-style: chr11-108254040-G-A. GRCh37 (hg19) VCF-style: chr11-108124767-G-A.
Other names: c.2124+1G>A (NM_001351834.2).
Identifiers: ClinVar variation 840421 (VCV000840421.14), dbSNP rs1555073553, ClinGen allele CA382537813.